The following is an entry in ClinVar:

ClinVar aggregate classification (germline): Uncertain significance (1 of 4 stars; one submission).

Conditions:
Hereditary orotic aciduria, type 1. Also called: Orotic aciduria type 1; Oroticaciduria 1. Identifiers: MedGen C0268130.

Allele frequency attached by ClinVar (database versions not stated): gnomAD exomes below 0.00001 and 0.00001; TOPMed below 0.00001; ExAC 0.00001; gnomAD 0.00002.
gnomAD v4.1: 5 of 1,613,522 alleles (0.00031%); highest among the groups gnomAD compares: African/African-American, 0.0067%; no homozygotes.

Submission:

Labcorp Genetics (formerly Invitae), Labcorp
Classification: Uncertain significance for Hereditary orotic aciduria, type 1. Last evaluated: 2021-08-20. Review status: criteria provided, single submitter. Criteria: Invitae Variant Classification Sherloc (09022015). Collection method: clinical testing. Allele origin: germline.
Comment: In summary, the available evidence is currently insufficient to determine the role of this variant in disease. Therefore, it has been classified as a Variant of Uncertain Significance. Algorithms developed to predict the effect of sequence changes on RNA splicing suggest that this variant may disrupt the consensus splice site. This variant has not been reported in the literature in individuals affected with UMPS-related conditions. This variant is present in population databases (rs745697791, ExAC 0.01%). This sequence change affects a donor splice site in intron 3 of the UMPS gene. It is expected to disrupt RNA splicing. Variants that disrupt the donor or acceptor splice site typically lead to a loss of protein function (PMID: 16199547), however the current clinical and genetic evidence is not sufficient to establish whether loss-of-function variants in UMPS cause disease.

Literature cited by the submitters: PubMed 16199547.

NM_000373.4(UMPS):c.982+2T>A

Gene: UMPS (uridine monophosphate synthetase; plus strand). Cytogenetic location: 3q21.2.
Variant type: single nucleotide variant.
Coding change: c.982+2T>A on transcript NM_000373.4 (MANE Select); the canonical splice donor site of the intron after coding-DNA position 982, T replaced by A.
Molecular consequence: splice donor variant.
Genome position (GRCh38, 1-based): chr3:124,738,241, T>A. VCF-style: chr3-124738241-T-A. GRCh37 (hg19) VCF-style: chr3-124457088-T-A.
Identifiers: ClinVar variation 1376598 (VCV001376598.6), dbSNP rs745697791, ClinGen allele CA2581738.